The following is an entry in ClinVar:

NM_020297.4(ABCC9):c.2553G>A (p.Met851Ile)

Gene: ABCC9 (ATP binding cassette subfamily C member 9; minus strand). Cytogenetic location: 12p12.1.
Variant type: single nucleotide variant.
Coding change: c.2553G>A on transcript NM_020297.4 (MANE Select); coding-DNA position 2553, G replaced by A.
Protein change: p.Met851Ile; replaces methionine 851 with isoleucine.
Molecular consequence: missense variant.
Genome position (GRCh38, 1-based): chr12:21,852,458, C>T on the plus strand (G>A on the coding strand, the complement: ABCC9 is on the minus strand). VCF-style: chr12-21852458-C-T. GRCh37 (hg19) VCF-style: chr12-22005392-C-T.
Other names: c.2553G>A, p.Met851Ile (NM_001377273.1, NM_005691.4); c.1686G>A, p.Met562Ile (NM_001377274.1); short protein forms M851I, M562I.
Identifiers: ClinVar variation 2701290 (VCV002701290.3), dbSNP rs2541137562, ClinGen allele CA384125659.
Genomic context (GRCh38, chr12:21,852,458, plus strand): 5'-GTGAGTCACAAGAACGAGTGTCCTTTTGTCATCTTGCAGGAATTTCAAAATCCCCTCCTG[C>T]ATTAAATGATCACTCAAGTGAATGTCCAGGGCTGAGAATGGATCATCCTGCAATCAGTAA-3'
Protein context (NP_064693.2, residues 841-861): ALDIHLSDHL[Met851Ile]QEGILKFLQD

ClinVar aggregate classification (germline): Uncertain significance (1 of 4 stars; one submission).

Conditions:
Dilated cardiomyopathy 1O (CMD1O). Also called: CARDIOMYOPATHY, DILATED, WITH VENTRICULAR TACHYCARDIA. Identifiers: Orphanet 154, MedGen C1837839, MONDO:0012062, OMIM 608569.

Submission:

Labcorp Genetics (formerly Invitae), Labcorp
Classification: Uncertain significance for Dilated cardiomyopathy 1O. Last evaluated: 2023-12-06. Review status: criteria provided, single submitter. Criteria: Invitae Variant Classification Sherloc (09022015). Collection method: clinical testing. Allele origin: germline.
Comment: This sequence change replaces methionine, which is neutral and non-polar, with isoleucine, which is neutral and non-polar, at codon 851 of the ABCC9 protein (p.Met851Ile). This variant is not present in population databases (gnomAD no frequency). This variant has not been reported in the literature in individuals affected with ABCC9-related conditions. Advanced modeling of protein sequence and biophysical properties (such as structural, functional, and spatial information, amino acid conservation, physicochemical variation, residue mobility, and thermodynamic stability) performed at Invitae indicates that this missense variant is expected to disrupt ABCC9 protein function with a positive predictive value of 95%. In summary, the available evidence is currently insufficient to determine the role of this variant in disease. Therefore, it has been classified as a Variant of Uncertain Significance.